The following is an entry in ClinVar:

ClinVar aggregate classification (germline): Uncertain significance (1 of 4 stars; one submission).

Conditions:
Inborn genetic diseases. Identifiers: MedGen C0950123, MeSH D030342.

gnomAD v4.1: 6 of 1,613,942 alleles (0.00037%); highest among the groups gnomAD compares: Admixed American, 0.0033%; no homozygotes.

Submission:

Ambry Genetics
Classification: Uncertain significance for Inborn genetic diseases. Last evaluated: 2025-07-05. Review status: criteria provided, single submitter. Criteria: Ambry Variant Classification Scheme 2023. Collection method: clinical testing. Allele origin: germline.
Comment: The p.M437T variant (also known as c.1310T>C), located in coding exon 6 of the SH2B3 gene, results from a T to C substitution at nucleotide position 1310. The methionine at codon 437 is replaced by threonine, an amino acid with similar properties. This amino acid position is conserved. In addition, this alteration is predicted to be deleterious by in silico analysis. Based on the available evidence, the clinical significance of this variant remains unclear.

NM_005475.3(SH2B3):c.1310T>C (p.Met437Thr)

Gene: SH2B3 (SH2B adaptor protein 3; plus strand). Cytogenetic location: 12q24.12.
Variant type: single nucleotide variant.
Coding change: c.1310T>C on transcript NM_005475.3 (MANE Select); coding-DNA position 1310, T replaced by C.
Protein change: p.Met437Thr; replaces methionine 437 with threonine.
Molecular consequence: missense variant.
Genome position (GRCh38, 1-based): chr12:111,447,729, T>C. VCF-style: chr12-111447729-T-C. GRCh37 (hg19) VCF-style: chr12-111885533-T-C.
Other names: c.704T>C, p.Met235Thr (NM_001291424.1); short protein forms M235T, M437T.
Identifiers: ClinVar variation 4163931 (VCV004163931.1).